The following is an entry in ClinVar:

ClinVar aggregate classification (germline): Uncertain significance (1 of 4 stars; one submission).

Submission:

GeneDx
Classification: Uncertain significance. Last evaluated: 2023-04-19. Review status: criteria provided, single submitter. Criteria: GeneDx Variant Classification Process June 2021. Collection method: clinical testing. Allele origin: germline. Affected: yes.
Comment: In-frame deletion of 1 amino acid in a non-repeat region; Not observed at significant frequency in large population cohorts (gnomAD); In silico analysis supports a deleterious effect on protein structure/function; Has not been previously published as pathogenic or benign to our knowledge

NM_001042492.3(NF1):c.6854ACA[1] (p.Asn2286del)

Gene: NF1 (neurofibromin 1; plus strand). Cytogenetic location: 17q11.2.
Variant type: Microsatellite.
Coding change: c.6854ACA[1] on transcript NM_001042492.3 (MANE Select); one copy of the 3-base unit ACA starting at c.6854; the reference has two copies in a row; one copy, 3 bases deleted.
Protein change: p.Asn2286del; deletes asparagine 2286.
Molecular consequence: inframe deletion. On other transcripts: inframe indel (1).
Genome position (GRCh38, 1-based): chr17:31,338,741-31,338,743, ACA deleted; deleting any 3 consecutive bases within chr17:31,338,738-31,338,743 gives the same sequence; the position shown is the placement nearest the transcript's 3' end. VCF-style (leftmost placement, unchanged base first): chr17-31338737-TACA-T. GRCh37 (hg19) VCF-style: chr17-29665755-TACA-T.
Other names: c.6794_6796del (NM_000267.3); c.6791_6793ACA[1], p.Asn2265del (NM_000267.4); short protein forms N2265del, N2286del.
Identifiers: ClinVar variation 2499822 (VCV002499822.1), dbSNP rs2508762655, ClinGen allele CA2580614074.
Genomic context (GRCh38, chr17:31,338,737, plus strand): 5'-AAATAAAAAATTCTGTTTTCCTAAAAGGCACTTGAGAGTTGCTTAAAAGGACCTGACACT[TACA>T]ACAGTCAAGTTCTGATAGAAGCTACAGTAATAGCACTAACCAAATTACAGCCACTTCTTA-3'